The following is an entry in ClinVar:

NM_001252024.2(TRPM1):c.619-134C>T

Gene: TRPM1 (transient receptor potential cation channel subfamily M member 1; minus strand). Cytogenetic location: 15q13.3.
Variant type: single nucleotide variant.
Coding change: c.619-134C>T on transcript NM_001252024.2 (MANE Select); 134 bases into the intron before coding-DNA position 619, C replaced by T.
Molecular consequence: intron variant.
Genome position (GRCh38, 1-based): chr15:31,066,381, G>A on the plus strand (C>T on the coding strand, the complement: TRPM1 is on the minus strand). VCF-style: chr15-31066381-G-A. GRCh37 (hg19) VCF-style: chr15-31358584-G-A.
Other names: c.670-134C>T (NM_001252020.2); c.553-134C>T (NM_002420.6).
Identifiers: ClinVar variation 4813918 (VCV004813918.1).

ClinVar aggregate classification (germline): Likely benign (1 of 4 stars; one submission).

gnomAD v4.1: 16,909 of 1,031,562 alleles (1.6%); highest among the groups gnomAD compares: Middle Eastern, 2%; 201 homozygotes.

Submission:

GeneDx
Classification: Likely benign. Last evaluated: 2020-02-25. Review status: criteria provided, single submitter. Criteria: GeneDx Variant Classification Process June 2021. Collection method: clinical testing. Allele origin: germline. Affected: yes.
Comment: See Variant Classification Assertion Criteria.